The following is an entry in ClinVar:

NM_001042492.3(NF1):c.5665G>T (p.Glu1889Ter)

Gene: NF1 (neurofibromin 1; plus strand). Cytogenetic location: 17q11.2.
Variant type: single nucleotide variant.
Coding change: c.5665G>T on transcript NM_001042492.3 (MANE Select); coding-DNA position 5665, G replaced by T.
Protein change: p.Glu1889Ter; replaces glutamic acid 1889 with a stop codon.
Molecular consequence: nonsense.
Genome position (GRCh38, 1-based): chr17:31,330,351, G>T. VCF-style: chr17-31330351-G-T. GRCh37 (hg19) VCF-style: chr17-29657369-G-T.
Other names: c.5602G>T, p.Glu1868Ter (NM_000267.4); short protein forms E1868*, E1889*.
Identifiers: ClinVar variation 1454435 (VCV001454435.10), dbSNP rs764782945, ClinGen allele CA399010209.

ClinVar aggregate classification (germline): Pathogenic. Review status: criteria provided, multiple submitters, no conflicts (2 of 4 stars). 2 submissions from 2 submitters: Pathogenic (2). Last evaluated 2024-11-24.

Conditions:
Neurofibromatosis, type 1 (NF1). Also called: Neurofibromatosis, type I; VON RECKLINGHAUSEN DISEASE; NEUROFIBROMATOSIS, TYPE I, SOMATIC; Peripheral type neurofibromatosis. Identifiers: Orphanet 636, MedGen C0027831, MONDO:0018975, OMIM 162200. Disease mechanism: loss of function.

Submissions (2):

Labcorp Genetics (formerly Invitae), Labcorp
Classification: Pathogenic for Neurofibromatosis, type 1. Last evaluated: 2024-11-24. Review status: criteria provided, single submitter. Criteria: Invitae Variant Classification Sherloc (09022015). Collection method: clinical testing. Allele origin: germline.
Comment: This sequence change creates a premature translational stop signal (p.Glu1868*) in the NF1 gene. It is expected to result in an absent or disrupted protein product. Loss-of-function variants in NF1 are known to be pathogenic (PMID: 10712197, 23913538). This variant is not present in population databases (gnomAD no frequency). This premature translational stop signal has been observed in individual(s) with clinical features of neurofibromatosis type 1 (PMID: 27838393). ClinVar contains an entry for this variant (Variation ID: 1454435). Algorithms developed to predict the effect of sequence changes on RNA splicing suggest that this variant may disrupt the consensus splice site. For these reasons, this variant has been classified as Pathogenic.

MGZ Medical Genetics Center
Classification: Pathogenic for Neurofibromatosis, type 1. Last evaluated: 2022-05-09. Review status: criteria provided, single submitter. Criteria: ACMG Guidelines, 2015. Collection method: clinical testing. Allele origin: germline. Affected: yes. Observed: 1 variant allele.
Comment: ACMG criteria applied: PVS1, PS4_SUP, PM2_SUP

Literature cited by the submitters: PubMed 10712197 (cited by Labcorp Genetics (formerly Invitae), Labcorp); PubMed 23913538 (cited by Labcorp Genetics (formerly Invitae), Labcorp); PubMed 27838393 (cited by Labcorp Genetics (formerly Invitae), Labcorp).